The following is an entry in ClinVar:

ClinVar aggregate classification (germline): Uncertain significance. Review status: criteria provided, multiple submitters, no conflicts (2 of 4 stars). 2 submissions from 2 submitters: Uncertain significance (2). Last evaluated 2025-02-06.

Conditions:
Joubert syndrome. Also called: CEREBELLOPARENCHYMAL DISORDER IV; JOUBERT-BOLTSHAUSER SYNDROME; Familial aplasia of the vermis. Identifiers: Orphanet 475, MedGen C5979921, MONDO:0018772.
Meckel-Gruber syndrome. Also called: DYSENCEPHALIA SPLANCHNOCYSTICA; GRUBER SYNDROME; Dysencephalia splachnocystica. Identifiers: Orphanet 564, MedGen C0265215, MONDO:0018921.

Allele frequency attached by ClinVar (database versions not stated): ExAC 0.00001.
gnomAD v4.1: 15 of 1,614,132 alleles (0.00093%); highest among the groups gnomAD compares: East Asian, 0.0089%; no homozygotes.

Submissions (2):

Ambry Genetics
Classification: Uncertain significance. Last evaluated: 2025-02-06. Review status: criteria provided, single submitter. Criteria: Ambry Variant Classification Scheme 2023. Collection method: clinical testing. Allele origin: germline.

Labcorp Genetics (formerly Invitae), Labcorp
Classification: Uncertain significance for Joubert syndrome; Meckel-Gruber syndrome. Last evaluated: 2021-03-27. Review status: criteria provided, single submitter. Criteria: Invitae Variant Classification Sherloc (09022015). Collection method: clinical testing. Allele origin: germline.
Comment: In summary, the available evidence is currently insufficient to determine the role of this variant in disease. Therefore, it has been classified as a Variant of Uncertain Significance. Algorithms developed to predict the effect of missense changes on protein structure and function (SIFT, PolyPhen-2, Align-GVGD) all suggest that this variant is likely to be tolerated, but these predictions have not been confirmed by published functional studies and their clinical significance is uncertain. This variant has not been reported in the literature in individuals with B9D2-related conditions. The frequency data for this variant in the population databases is considered unreliable, as metrics indicate poor data quality at this position in the ExAC database. This sequence change replaces valine with methionine at codon 39 of the B9D2 protein (p.Val39Met). The valine residue is moderately conserved and there is a small physicochemical difference between valine and methionine.

NM_030578.4(B9D2):c.115G>A (p.Val39Met)

Gene: B9D2 (B9 domain containing 2; minus strand). Cytogenetic location: 19q13.2.
Variant type: single nucleotide variant.
Coding change: c.115G>A on transcript NM_030578.4 (MANE Select); coding-DNA position 115, G replaced by A.
Protein change: p.Val39Met; replaces valine 39 with methionine.
Molecular consequence: missense variant.
Genome position (GRCh38, 1-based): chr19:41,357,996, C>T on the plus strand (G>A on the coding strand, the complement: B9D2 is on the minus strand). VCF-style: chr19-41357996-C-T. GRCh37 (hg19) VCF-style: chr19-41863901-C-T.
Other names: c.115G>A (NM_030578.3); short protein forms V39M.
Identifiers: ClinVar variation 1363298 (VCV001363298.9), dbSNP rs761158280, ClinGen allele CA9460348.